The following is an entry in ClinVar:

ClinVar aggregate classification (germline): Uncertain significance (1 of 4 stars; one submission).

Conditions:
Mitochondrial hypertrophic cardiomyopathy with lactic acidosis due to MTO1 deficiency. Also called: CARDIOMYOPATHY, INFANTILE HYPERTROPHIC MITOCHONDRIAL, AND LACTIC ACIDOSIS; Combined oxidative phosphorylation deficiency 10. Identifiers: Orphanet 314637, MedGen C4749921, MONDO:0013865, OMIM 614702.

Submission:

Labcorp Genetics (formerly Invitae), Labcorp
Classification: Uncertain significance for Mitochondrial hypertrophic cardiomyopathy with lactic acidosis due to MTO1 deficiency. Last evaluated: 2024-10-22. Review status: criteria provided, single submitter. Criteria: Invitae Variant Classification Sherloc (09022015). Collection method: clinical testing. Allele origin: germline.
Comment: This sequence change replaces proline, which is neutral and non-polar, with threonine, which is neutral and polar, at codon 376 of the MTO1 protein (p.Pro376Thr). This variant is not present in population databases (gnomAD no frequency). This variant has not been reported in the literature in individuals affected with MTO1-related conditions. ClinVar contains an entry for this variant (Variation ID: 1935791). An algorithm developed to predict the effect of missense changes on protein structure and function (PolyPhen-2) suggests that this variant is likely to be disruptive. In summary, the available evidence is currently insufficient to determine the role of this variant in disease. Therefore, it has been classified as a Variant of Uncertain Significance.

NM_012123.4(MTO1):c.1126C>A (p.Pro376Thr)

Gene: MTO1 (mitochondrial tRNA translation optimization 1; plus strand). Cytogenetic location: 6q13.
Variant type: single nucleotide variant.
Coding change: c.1126C>A on transcript NM_012123.4 (MANE Select); coding-DNA position 1126, C replaced by A.
Protein change: p.Pro376Thr; replaces proline 376 with threonine.
Molecular consequence: missense variant.
Genome position (GRCh38, 1-based): chr6:73,480,123, C>A. VCF-style: chr6-73480123-C-A. GRCh37 (hg19) VCF-style: chr6-74189846-C-A.
Other names: c.1126C>A, p.Pro376Thr (NM_001123226.2, NM_133645.3); short protein forms P376T.
Identifiers: ClinVar variation 1935791 (VCV001935791.5), dbSNP rs2533279854, ClinGen allele CA364714977.